The following is an entry in ClinVar:

ClinVar aggregate classification (germline): Benign. Review status: criteria provided, multiple submitters, no conflicts (2 of 4 stars). 2 submissions from 2 submitters: Benign (2). Last evaluated 2025-07-31.

Conditions:
Hypercholesterolemia, autosomal dominant, 3 (FHCL3). Also called: PCSK9-Related Familial Hypercholesterolemia, Autosomal Dominant; Familial Hypercholesterolemia, Autosomal Dominant, 3; Familial hypercholesterolemia 3. Identifiers: MedGen C1863551, MONDO:0011369, OMIM 603776.

Allele frequency attached by ClinVar (database versions not stated): gnomAD 0.00004; TOPMed 0.00010; ExAC 0.00011; 1000 Genomes Project 30x 0.00016; 1000 Genomes Project 0.00020.
gnomAD v4.1: 58 of 1,612,892 alleles (0.0036%); highest among the groups gnomAD compares: East Asian, 0.11%; no homozygotes.

Submissions (2):

Labcorp Genetics (formerly Invitae), Labcorp
Classification: Benign for Hypercholesterolemia, autosomal dominant, 3. Last evaluated: 2025-07-31. Review status: criteria provided, single submitter. Criteria: Invitae Variant Classification Sherloc (09022015). Collection method: clinical testing. Allele origin: germline.

Women's Health and Genetics/Laboratory Corporation of America, LabCorp
Classification: Benign. Last evaluated: 2024-11-29. Review status: criteria provided, single submitter. Criteria: LabCorp Variant Classification Summary - May 2015. Collection method: clinical testing. Allele origin: germline.
Comment: Variant summary: PCSK9 c.799+20G>A alters a non-conserved nucleotide located at a position not widely known to affect splicing. Consensus agreement among computation tools predict no significant impact on normal splicing. However, these predictions have yet to be confirmed by functional studies. The variant allele was found at a frequency of 0.00012 in 246216 control chromosomes. The observed variant frequency is approximately 3.14 fold of the estimated maximal expected allele frequency for a pathogenic variant in PCSK9 causing Familial Hypercholesterolemia phenotype (3.8e-05). To our knowledge, no occurrence of c.799+20G>A in individuals affected with Familial Hypercholesterolemia and no experimental evidence demonstrating its impact on protein function have been reported. ClinVar contains an entry for this variant (Variation ID: 2760523). Based on the evidence outlined above, the variant was classified as benign.

NM_174936.4(PCSK9):c.799+20G>A

Gene: PCSK9 (proprotein convertase subtilisin/kexin type 9; plus strand). Cytogenetic location: 1p32.3.
Variant type: single nucleotide variant.
Coding change: c.799+20G>A on transcript NM_174936.4 (MANE Select); 20 bases into the intron after coding-DNA position 799, G replaced by A.
Molecular consequence: intron variant.
Genome position (GRCh38, 1-based): chr1:55,052,811, G>A. VCF-style: chr1-55052811-G-A. GRCh37 (hg19) VCF-style: chr1-55518484-G-A.
Other names: c.424+20G>A (NM_001407246.1); c.922+20G>A (NM_001407240.1); c.802+20G>A (NM_001407242.1); c.799+20G>A (NM_001407241.1, NM_001407244.1, NM_001407247.1); c.742+20G>A (NM_001407243.1); c.607+20G>A (NM_001407245.1).
Identifiers: ClinVar variation 2760523 (VCV002760523.5), dbSNP rs201872056, ClinGen allele CA044557.